The following is an entry in ClinVar:

ClinVar aggregate classification (germline): Pathogenic (1 of 4 stars; one submission).

Conditions:
Ataxia-telangiectasia syndrome (AT). Also called: LOUIS-BAR SYNDROME; Cerebello-oculocutaneous telangiectasia; Immunodeficiency with ataxia telangiectasia; Ataxia telangiectasia (A-T); Ataxia-telangiectasia, complementation group D; AT, COMPLEMENTATION GROUP C. Identifiers: Orphanet 100, MedGen C0004135, MONDO:0008840, OMIM 208900.

Submission:

Labcorp Genetics (formerly Invitae), Labcorp
Classification: Pathogenic for Ataxia-telangiectasia syndrome. Last evaluated: 2023-03-19. Review status: criteria provided, single submitter. Criteria: Invitae Variant Classification Sherloc (09022015). Collection method: clinical testing. Allele origin: germline.
Comment: For these reasons, this variant has been classified as Pathogenic. This premature translational stop signal has been observed in individual(s) with breast cancer (PMID: 26225655). This variant is not present in population databases (gnomAD no frequency). This sequence change creates a premature translational stop signal (p.Arg2832Hisfs*12) in the ATM gene. It is expected to result in an absent or disrupted protein product. Loss-of-function variants in ATM are known to be pathogenic (PMID: 23807571, 25614872).

Literature cited by the submitters: PubMed 26225655; PubMed 23807571; PubMed 25614872.

NM_000051.4(ATM):c.8495_8505del (p.Arg2832fs)

Genes: C11orf65 (chromosome 11 open reading frame 65; minus strand), ATM (ATM serine/threonine kinase; plus strand). Cytogenetic location: 11q22.3.
Variant type: Deletion.
Coding change: c.8495_8505del on transcript NM_000051.4 (MANE Select); coding-DNA positions 8495 to 8505, 11 bases deleted (GTTACTTCTGC).
Protein change: p.Arg2832fs; shifts the reading frame from arginine 2832.
Molecular consequence: frameshift variant. On other transcripts: intron variant (2).
Genome position (GRCh38, 1-based): chr11:108,345,819-108,345,829, GTTACTTCTGC deleted; deleting any 11 consecutive bases within chr11:108,345,818-108,345,829 gives the same sequence; the c. name uses the placement nearest the transcript's 3' end. VCF-style (leftmost placement, unchanged base first): chr11-108345817-CCGTTACTTCTG-C. GRCh37 (hg19) VCF-style: chr11-108216544-CCGTTACTTCTG-C.
Other names: c.8495_8505del, p.Arg2832fs (NM_001351834.2); c.641-36757_641-36747del (NM_001330368.2); c.695-10536_695-10526del (NM_001351110.2); short protein forms R2832fs.
Identifiers: ClinVar variation 2735749 (VCV002735749.3), dbSNP rs2547443981, ClinGen allele CA2695215504.